The following is an entry in ClinVar:

NM_004360.5(CDH1):c.1495T>G (p.Phe499Val)

Gene: CDH1 (cadherin 1; plus strand). Cytogenetic location: 16q22.1.
Variant type: single nucleotide variant.
Coding change: c.1495T>G on transcript NM_004360.5 (MANE Select); coding-DNA position 1495, T replaced by G.
Protein change: p.Phe499Val; replaces phenylalanine 499 with valine.
Molecular consequence: missense variant. On other transcripts: 5 prime UTR variant (2).
Genome position (GRCh38, 1-based): chr16:68,815,689, T>G. VCF-style: chr16-68815689-T-G. GRCh37 (hg19) VCF-style: chr16-68849592-T-G.
Other names: c.1312T>G, p.Phe438Val (NM_001317184.2); c.-54T>G (NM_001317185.2); c.-325T>G (NM_001317186.2); short protein forms F438V, F499V.
Identifiers: ClinVar variation 3372312 (VCV003372312.5).
Genomic context (GRCh38, chr16:68,815,689, plus strand): 5'-GATGTGAATGAAGCCCCCATCTTTGTGCCTCCTGAAAAGAGAGTGGAAGTGTCCGAGGAC[T>G]TTGGCGTGGGCCAGGAAATCACATCCTACACTGCCCAGGAGCCAGACACATTTATGGAAC-3'
Protein context (NP_004351.1, residues 489-509): PEKRVEVSED[Phe499Val]GVGQEITSYT

ClinVar aggregate classification (germline): Conflicting classifications of pathogenicity. Review status: criteria provided, conflicting classifications (1 of 4 stars). 3 submissions from 3 submitters: Uncertain significance (2); Likely benign (1). Last evaluated 2026-06-16.

Conditions:
Hereditary diffuse gastric adenocarcinoma (HDGC). Also called: DIFFUSE GASTRIC AND LOBULAR BREAST CANCER SYNDROME. Identifiers: Orphanet 26106, MedGen C1708349, MONDO:0007648, OMIM 137215.
Hereditary cancer-predisposing syndrome. Also called: Tumor predisposition; Hereditary Cancer Syndrome; Hereditary neoplastic syndrome; Neoplastic Syndromes, Hereditary. Identifiers: Orphanet 140162, MedGen C0027672, MeSH D009386, MONDO:0015356.

Submissions (3):

Ambry Genetics
Classification: Likely benign for Hereditary cancer-predisposing syndrome. Last evaluated: 2026-06-16. Review status: criteria provided, single submitter. Criteria: Ambry Variant Classification Scheme 2023. Collection method: clinical testing. Allele origin: germline.

Labcorp Genetics (formerly Invitae), Labcorp
Classification: Uncertain significance for Hereditary diffuse gastric adenocarcinoma. Last evaluated: 2024-11-27. Review status: criteria provided, single submitter. Criteria: Invitae Variant Classification Sherloc (09022015). Collection method: clinical testing. Allele origin: germline.
Comment: This sequence change replaces phenylalanine, which is neutral and non-polar, with valine, which is neutral and non-polar, at codon 499 of the CDH1 protein (p.Phe499Val). This variant is not present in population databases (gnomAD no frequency). This variant has not been reported in the literature in individuals affected with CDH1-related conditions. An algorithm developed to predict the effect of missense changes on protein structure and function (PolyPhen-2) suggests that this variant is likely to be tolerated. In summary, the available evidence is currently insufficient to determine the role of this variant in disease. Therefore, it has been classified as a Variant of Uncertain Significance.

GeneDx
Classification: Uncertain significance. Last evaluated: 2024-04-10. Review status: criteria provided, single submitter. Criteria: GeneDx Variant Classification Process June 2021. Collection method: clinical testing. Allele origin: germline. Affected: yes.
Comment: Not observed at significant frequency in large population cohorts (gnomAD); In silico analysis indicates that this missense variant does not alter protein structure/function; Has not been previously published as pathogenic or benign to our knowledge; This variant is associated with the following publications: (PMID: 15235021, 22850631)